The following is an entry in ClinVar:

ClinVar aggregate classification (germline): Conflicting classifications of pathogenicity. Review status: criteria provided, conflicting classifications (1 of 4 stars). 3 submissions from 3 submitters: Uncertain significance (2); Likely benign (1). Last evaluated 2026-03-17.

Conditions:
Hereditary cancer-predisposing syndrome. Also called: Hereditary Cancer Syndrome; Neoplastic Syndromes, Hereditary; Tumor predisposition; Hereditary neoplastic syndrome. Identifiers: Orphanet 140162, MedGen C0027672, MeSH D009386, MONDO:0015356.
Hereditary breast ovarian cancer syndrome. Also called: Hereditary breast and ovarian cancer syndrome (HBOC); Hereditary breast and/or ovarian cancer syndrome; BRCA1- and BRCA2-Associated Hereditary Breast and Ovarian Cancer; Hereditary breast and ovarian cancer; Breast and ovarian cancer; Hereditary breast and ovarian cancer syndrome. Identifiers: Orphanet 145, MedGen C0677776, MeSH D061325, MONDO:0003582. Disease mechanism: loss of function.

Allele frequency attached by ClinVar (database versions not stated): gnomAD 0.00001 and below 0.00001.
gnomAD v4.1: 1 of 1,589,390 alleles (0.000063%); highest among the groups gnomAD compares: South Asian, 0.0012%; no homozygotes.

Submissions (3):

Ambry Genetics
Classification: Uncertain significance for Hereditary cancer-predisposing syndrome. Last evaluated: 2026-03-17. Review status: criteria provided, single submitter. Criteria: Ambry Variant Classification Scheme 2023. Collection method: clinical testing. Allele origin: germline.
Comment: The p.P2153S variant (also known as c.6457C>T), located in coding exon 10 of the BRCA2 gene, results from a C to T substitution at nucleotide position 6457. The proline at codon 2153 is replaced by serine, an amino acid with similar properties. This amino acid position is not well conserved in available vertebrate species. In addition, the in silico prediction for this alteration is inconclusive. Based on the available evidence, the clinical significance of this variant remains unclear.

University of Washington Department of Laboratory Medicine, University of Washington
Classification: Likely benign for Hereditary cancer-predisposing syndrome. Last evaluated: 2023-03-23. Review status: criteria provided, single submitter. Criteria: Dines et al. (Genet Med. 2020). Collection method: curation. Allele origin: germline.
Comment: Missense variant in a coldspot region where missense variants are very unlikely to be pathogenic (PMID:31911673).

BRCA2 exon 11 coldspot. Reclassification based on statistical prior probability.

Labcorp Genetics (formerly Invitae), Labcorp
Classification: Uncertain significance for Hereditary breast ovarian cancer syndrome. Last evaluated: 2019-08-16. Review status: criteria provided, single submitter. Criteria: Invitae Variant Classification Sherloc (09022015). Collection method: clinical testing. Allele origin: germline.
Comment: This sequence change replaces proline with serine at codon 2153 of the BRCA2 protein (p.Pro2153Ser). The proline residue is weakly conserved and there is a moderate physicochemical difference between proline and serine. This variant is not present in population databases (ExAC no frequency). This variant has not been reported in the literature in individuals with BRCA2-related conditions. Algorithms developed to predict the effect of missense changes on protein structure and function output the following: SIFT: "Tolerated"; PolyPhen-2: "Benign"; Align-GVGD: "Class C0". The serine amino acid residue is found in multiple mammalian species, suggesting that this missense change does not adversely affect protein function. These predictions have not been confirmed by published functional studies and their clinical significance is uncertain. In summary, the available evidence is currently insufficient to determine the role of this variant in disease. Therefore, it has been classified as a Variant of Uncertain Significance.

NM_000059.4(BRCA2):c.6457C>T (p.Pro2153Ser)

Gene: BRCA2 (BRCA2 DNA repair associated; plus strand). Cytogenetic location: 13q13.1.
Variant type: single nucleotide variant.
Coding change: c.6457C>T on transcript NM_000059.4 (MANE Select); coding-DNA position 6457, C replaced by T.
Protein change: p.Pro2153Ser; replaces proline 2153 with serine.
Molecular consequence: missense variant.
Genome position (GRCh38, 1-based): chr13:32,340,812, C>T. VCF-style: chr13-32340812-C-T. GRCh37 (hg19) VCF-style: chr13-32914949-C-T.
Other names: short protein forms P2153S.
Identifiers: ClinVar variation 951789 (VCV000951789.12), dbSNP rs2072556359, ClinGen allele CA387789340.